The following is an entry in ClinVar:

NM_194436.3(LDHD):c.666C>T (p.Phe222=)

Gene: LDHD (lactate dehydrogenase D; minus strand). Cytogenetic location: 16q23.1.
Variant type: single nucleotide variant.
Coding change: c.666C>T on transcript NM_194436.3 (MANE Select); coding-DNA position 666, C replaced by T.
Protein change: p.Phe222=; no amino-acid change (phenylalanine 222 retained).
Molecular consequence: synonymous variant.
Genome position (GRCh38, 1-based): chr16:75,114,129, G>A on the plus strand (C>T on the coding strand, the complement: LDHD is on the minus strand). VCF-style: chr16-75114129-G-A. GRCh37 (hg19) VCF-style: chr16-75148027-G-A.
Other names: c.735C>T, p.Phe245= (NM_153486.4).
Identifiers: ClinVar variation 3051696 (VCV003051696.2), dbSNP rs141944225, ClinGen allele CA8172468.

ClinVar aggregate classification (germline): Likely benign (0 of 4 stars; one submission).

Conditions:
LDHD-related disorder. Also called: LDHD-related condition.

Allele frequency attached by ClinVar (database versions not stated): ExAC 0.00032; 1000 Genomes Project 0.00060; 1000 Genomes Project 30x 0.00078; ESP Exome Variant Server 0.00115.
gnomAD v4.1: 332 of 1,612,782 alleles (0.021%); highest among the groups gnomAD compares: African/African-American, 0.42%; no homozygotes.

Submission:

PreventionGenetics, part of Exact Sciences
Classification: Likely benign for LDHD-related condition. Last evaluated: 2020-02-20. Review status: no assertion criteria provided. Collection method: clinical testing. Allele origin: germline.
Comment: This variant is classified as likely benign based on ACMG/AMP sequence variant interpretation guidelines (Richards et al. 2015 PMID: 25741868, with internal and published modifications).